The following is an entry in ClinVar:

ClinVar aggregate classification (germline): Uncertain significance (1 of 4 stars; one submission).

Conditions:
Hypertrophic cardiomyopathy. Also called: HYPERTROPHIC MYOCARDIOPATHY. Identifiers: Orphanet 217569, MedGen C0007194, MeSH D002312, MONDO:0005045, HP:0001639.

Submission:

Labcorp Genetics (formerly Invitae), Labcorp
Classification: Uncertain significance for Hypertrophic cardiomyopathy. Last evaluated: 2023-11-09. Review status: criteria provided, single submitter. Criteria: Invitae Variant Classification Sherloc (09022015). Collection method: clinical testing. Allele origin: germline.
Comment: This sequence change replaces glutamine, which is neutral and polar, with histidine, which is basic and polar, at codon 339 of the MYBPC3 protein (p.Gln339His). This variant is not present in population databases (gnomAD no frequency). This variant has not been reported in the literature in individuals affected with MYBPC3-related conditions. An algorithm developed to predict the effect of missense changes on protein structure and function (PolyPhen-2) suggests that this variant is likely to be tolerated. In summary, the available evidence is currently insufficient to determine the role of this variant in disease. Therefore, it has been classified as a Variant of Uncertain Significance.

NM_000256.3(MYBPC3):c.1017G>C (p.Gln339His)

Gene: MYBPC3 (myosin binding protein C3; minus strand). Cytogenetic location: 11p11.2.
Variant type: single nucleotide variant.
Coding change: c.1017G>C on transcript NM_000256.3 (MANE Select); coding-DNA position 1017, G replaced by C.
Protein change: p.Gln339His; replaces glutamine 339 with histidine.
Molecular consequence: missense variant.
Genome position (GRCh38, 1-based): chr11:47,346,280, C>G on the plus strand (G>C on the coding strand, the complement: MYBPC3 is on the minus strand). VCF-style: chr11-47346280-C-G. GRCh37 (hg19) VCF-style: chr11-47367831-C-G.
Other names: short protein forms Q339H.
Identifiers: ClinVar variation 2694479 (VCV002694479.3), dbSNP rs2095894010, ClinGen allele CA380331367.